The following is an entry in ClinVar:

ClinVar aggregate classification (germline): Uncertain significance (1 of 4 stars; one submission).

Submission:

GeneDx
Classification: Uncertain significance. Last evaluated: 2019-12-06. Review status: criteria provided, single submitter. Criteria: GeneDx Variant Classification Process June 2021. Collection method: clinical testing. Allele origin: germline. Affected: yes.
Comment: Not observed in large population cohorts (Lek et al., 2016); In silico analysis, which includes protein predictors and evolutionary conservation, supports a deleterious effect; Has not been previously published as pathogenic or benign to our knowledge

NM_004380.3(CREBBP):c.1756A>T (p.Thr586Ser)

Gene: CREBBP (CREB binding protein; minus strand). Cytogenetic location: 16p13.3.
Variant type: single nucleotide variant.
Coding change: c.1756A>T on transcript NM_004380.3 (MANE Select); coding-DNA position 1756, A replaced by T.
Protein change: p.Thr586Ser; replaces threonine 586 with serine.
Molecular consequence: missense variant.
Genome position (GRCh38, 1-based): chr16:3,780,799, T>A on the plus strand (A>T on the coding strand, the complement: CREBBP is on the minus strand). VCF-style: chr16-3780799-T-A. GRCh37 (hg19) VCF-style: chr16-3830800-T-A.
Other names: c.1642A>T, p.Thr548Ser (NM_001079846.1); short protein forms T548S, T586S.
Identifiers: ClinVar variation 1310812 (VCV001310812.2), dbSNP rs2053256106, ClinGen allele CA394556579.